The following is an entry in ClinVar:

ClinVar aggregate classification (germline): Pathogenic. Review status: criteria provided, multiple submitters, no conflicts (2 of 4 stars). 2 submissions from 2 submitters: Pathogenic (2). Last evaluated 2023-07-19.

Conditions:
Hereditary cancer-predisposing syndrome. Also called: Neoplastic Syndromes, Hereditary; Tumor predisposition; Hereditary neoplastic syndrome; Hereditary Cancer Syndrome. Identifiers: Orphanet 140162, MedGen C0027672, MeSH D009386, MONDO:0015356.
Familial cancer of breast. Also called: BREAST CANCER, FAMILIAL; Hereditary breast cancer; hereditary breast carcinoma. Identifiers: Orphanet 227535, MedGen C0346153, MONDO:0016419, OMIM 114480. Disease mechanism: loss of function.

Submissions (2):

Myriad Genetics, Inc.
Classification: Pathogenic for Familial cancer of breast. Last evaluated: 2023-07-19. Review status: criteria provided, single submitter. Criteria: Myriad Autosomal Dominant, Autosomal Recessive and X-Linked Classification Criteria (2023). Collection method: clinical testing. Allele origin: unknown.
Comment: This variant is considered pathogenic. This variant creates a frameshift predicted to result in premature protein truncation.

Ambry Genetics
Classification: Pathogenic for Hereditary cancer-predisposing syndrome. Last evaluated: 2023-07-07. Review status: criteria provided, single submitter. Criteria: Ambry Variant Classification Scheme 2023. Collection method: clinical testing. Allele origin: germline.
Comment: The c.646delA pathogenic mutation, located in coding exon 4 of the PALB2 gene, results from a deletion of one nucleotide at nucleotide position 646, causing a translational frameshift with a predicted alternate stop codon (p.I216Lfs*7). This alteration is expected to result in loss of function by premature protein truncation or nonsense-mediated mRNA decay. As such, this alteration is interpreted as a disease-causing mutation.

NM_024675.4(PALB2):c.646del (p.Ile216fs)

Gene: PALB2 (partner and localizer of BRCA2; minus strand). Cytogenetic location: 16p12.2.
Variant type: Deletion.
Coding change: c.646del on transcript NM_024675.4 (MANE Select); coding-DNA position 646, one base deleted (A; older notation c.646delA).
Protein change: p.Ile216fs; shifts the reading frame from isoleucine 216.
Molecular consequence: frameshift variant.
Genome position (GRCh38, 1-based): chr16:23,635,900, T deleted on the plus strand (A on the coding strand, the reverse complement: PALB2 is on the minus strand); the first of 3 consecutive T bases (chr16:23,635,900-23,635,902); deleting any one gives the same sequence. VCF-style (leftmost placement, unchanged base first): chr16-23635899-AT-A. GRCh37 (hg19) VCF-style: chr16-23647220-AT-A.
Other names: short protein forms I216fs.
Identifiers: ClinVar variation 826423 (VCV000826423.6), dbSNP rs1597098679, ClinGen allele CA915949213.